The following is an entry in ClinVar:

NM_000083.3(CLCN1):c.36del (p.Glu12fs)

Gene: CLCN1 (chloride voltage-gated channel 1; plus strand). Cytogenetic location: 7q34.
Variant type: Deletion.
Coding change: c.36del on transcript NM_000083.3 (MANE Select); coding-DNA position 36, one base deleted (A; older notation c.36delA).
Protein change: p.Glu12fs; shifts the reading frame from glutamic acid 12.
Molecular consequence: frameshift variant. On other transcripts: non-coding transcript variant (1).
Genome position (GRCh38, 1-based): chr7:143,316,248, A deleted; the last of 2 consecutive A bases (chr7:143,316,247-143,316,248); deleting either gives the same sequence. VCF-style (leftmost placement, unchanged base first): chr7-143316246-GA-G. GRCh37 (hg19) VCF-style: chr7-143013339-GA-G.
Other names: short protein forms E12fs.
Identifiers: ClinVar variation 2948804 (VCV002948804.3), dbSNP rs2487015299, ClinGen allele CA2740094886.

ClinVar aggregate classification (germline): Pathogenic (1 of 4 stars; one submission).

Conditions:
Congenital myotonia, autosomal dominant form (THD). Also called: THOMSEN DISEASE; Myotonia congenita autosomal dominant. Identifiers: Orphanet 614, MedGen C2936781, MONDO:0008055, OMIM 160800.
Congenital myotonia, autosomal recessive form. Also called: BECKER DISEASE; Becker Generalized Myotonia; myotonia congenita, autosomal recessive. Identifiers: Orphanet 614, MedGen C0751360, MONDO:0009715, OMIM 255700.

Submission:

Labcorp Genetics (formerly Invitae), Labcorp
Classification: Pathogenic for Congenital myotonia, autosomal recessive form; Congenital myotonia, autosomal dominant form. Last evaluated: 2023-06-12. Review status: criteria provided, single submitter. Criteria: Invitae Variant Classification Sherloc (09022015). Collection method: clinical testing. Allele origin: germline.
Comment: For these reasons, this variant has been classified as Pathogenic. This variant has not been reported in the literature in individuals affected with CLCN1-related conditions. This variant is not present in population databases (gnomAD no frequency). This sequence change creates a premature translational stop signal (p.Glu12Aspfs*65) in the CLCN1 gene. It is expected to result in an absent or disrupted protein product. Loss-of-function variants in CLCN1 are known to be pathogenic (PMID: 17932099, 22094069, 23739125).

Literature cited by the submitters: PubMed 17932099; PubMed 22094069; PubMed 23739125.